The following is an entry in ClinVar:

NM_001080449.3(DNA2):c.2175del (p.Ser725_Leu726insTer)

Gene: DNA2 (DNA replication helicase/nuclease 2; minus strand). Cytogenetic location: 10q21.3.
Variant type: Deletion.
Coding change: c.2175del on transcript NM_001080449.3 (MANE Select); coding-DNA position 2175, one base deleted (C; older notation c.2175delC).
Protein change: p.Ser725_Leu726insTer.
Molecular consequence: frameshift variant. On other transcripts: non-coding transcript variant (1).
Genome position (GRCh38, 1-based): chr10:68,430,469, G deleted on the plus strand (C on the coding strand, the reverse complement: DNA2 is on the minus strand); the first of 2 consecutive G bases (chr10:68,430,469-68,430,470); deleting either gives the same sequence. VCF-style (leftmost placement, unchanged base first): chr10-68430468-AG-A. GRCh37 (hg19) VCF-style: chr10-70190225-AG-A.
Identifiers: ClinVar variation 1310743 (VCV001310743.5), dbSNP rs755679214, ClinGen allele CA5524886.

ClinVar aggregate classification (germline): Uncertain significance. Review status: criteria provided, multiple submitters, no conflicts (2 of 4 stars). 2 submissions from 2 submitters: Uncertain significance (2). Last evaluated 2025-06-29.

Submissions (2):

Labcorp Genetics (formerly Invitae), Labcorp
Classification: Uncertain significance. Last evaluated: 2025-06-29. Review status: criteria provided, single submitter. Criteria: Invitae Variant Classification Sherloc (09022015). Collection method: clinical testing. Allele origin: germline.
Comment: This sequence change creates a premature translational stop signal (p.Leu726*) in the DNA2 gene. It is expected to result in an absent or disrupted protein product. However, the current clinical and genetic evidence is not sufficient to establish whether loss-of-function variants in DNA2 cause disease. This variant is present in population databases (rs755679214, gnomAD 0.007%). This variant has not been reported in the literature in individuals affected with DNA2-related conditions. ClinVar contains an entry for this variant (Variation ID: 1310743). Algorithms developed to predict the effect of sequence changes on RNA splicing suggest that this variant may disrupt the consensus splice site. In summary, the available evidence is currently insufficient to determine the role of this variant in disease. Therefore, it has been classified as a Variant of Uncertain Significance.

GeneDx
Classification: Uncertain significance. Last evaluated: 2019-09-03. Review status: criteria provided, single submitter. Criteria: GeneDx Variant Classification Process June 2021. Collection method: clinical testing. Allele origin: germline. Affected: yes.
Comment: Nonsense variant predicted to result in protein truncation or nonsense mediated decay in a gene for which loss-of-function is a known mechanism of disease; Has not been previously published as pathogenic or benign to our knowledge